The following is an entry in ClinVar:

ClinVar aggregate classification (germline): Conflicting classifications of pathogenicity. Review status: criteria provided, conflicting classifications (1 of 4 stars). 5 submissions from 5 submitters: Uncertain significance (1); Benign (1); Likely benign (3). Last evaluated 2025-02-19.

Conditions:
Hereditary nonpolyposis colorectal neoplasms. Identifiers: MedGen C0009405, MeSH D003123.
Hereditary cancer-predisposing syndrome. Also called: Neoplastic Syndromes, Hereditary; Tumor predisposition; Hereditary Cancer Syndrome; Hereditary neoplastic syndrome. Identifiers: Orphanet 140162, MedGen C0027672, MeSH D009386, MONDO:0015356.
Lynch syndrome 5 (LYNCH5). Also called: Colorectal cancer, hereditary nonpolyposis, type 5; Hereditary non-polyposis colorectal cancer, type 5. Identifiers: Orphanet 144, MedGen C1833477, MONDO:0013710, OMIM 614350. Disease mechanism: loss of function.

Submissions (5):

Labcorp Genetics (formerly Invitae), Labcorp
Classification: Likely benign for Hereditary nonpolyposis colorectal neoplasms. Last evaluated: 2025-02-19. Review status: criteria provided, single submitter. Criteria: Invitae Variant Classification Sherloc (09022015). Collection method: clinical testing. Allele origin: germline.

Myriad Genetics, Inc.
Classification: Benign for Lynch syndrome 5. Last evaluated: 2024-12-30. Review status: criteria provided, single submitter. Criteria: Myriad Autosomal Dominant, Autosomal Recessive and X-Linked Classification Criteria (2023). Collection method: clinical testing. Allele origin: unknown.
Comment: This variant is considered benign. This variant is a silent/synonymous amino acid change and it is not expected to impact splicing.

GeneDx
Classification: Uncertain significance. Last evaluated: 2023-06-05. Review status: criteria provided, single submitter. Criteria: GeneDx Variant Classification Process June 2021. Collection method: clinical testing. Allele origin: germline. Affected: yes.
Comment: Not observed at significant frequency in large population cohorts (gnomAD); In silico analysis supports that this variant does not alter splicing; Has not been previously published as pathogenic or benign to our knowledge; This variant is associated with the following publications: (PMID: 24130125, 32686686)

Color Diagnostics, LLC DBA Color Health
Classification: Likely benign for Hereditary cancer-predisposing syndrome. Last evaluated: 2018-05-29. Review status: criteria provided, single submitter. Criteria: ACMG Guidelines, 2015. Collection method: clinical testing. Allele origin: germline.

Ambry Genetics
Classification: Likely benign for Hereditary cancer-predisposing syndrome. Last evaluated: 2014-10-15. Review status: criteria provided, single submitter. Criteria: Ambry Variant Classification Scheme 2023. Collection method: clinical testing. Allele origin: germline.

NM_000179.3(MSH6):c.1875C>A (p.Ser625=)

Gene: MSH6 (mutS homolog 6; plus strand). Cytogenetic location: 2p16.3.
Variant type: single nucleotide variant.
Coding change: c.1875C>A on transcript NM_000179.3 (MANE Select); coding-DNA position 1875, C replaced by A.
Protein change: p.Ser625=; no amino-acid change (serine 625 retained).
Molecular consequence: synonymous variant.
Genome position (GRCh38, 1-based): chr2:47,799,858, C>A. VCF-style: chr2-47799858-C-A. GRCh37 (hg19) VCF-style: chr2-48026997-C-A.
Other names: c.1485C>A, p.Ser495= (NM_001281492.2); c.969C>A, p.Ser323= (NM_001281493.2, NM_001281494.2).
Identifiers: ClinVar variation 186521 (VCV000186521.20), dbSNP rs63749886, ClinGen allele CA009385.